The following is an entry in ClinVar:

ClinVar aggregate classification (germline): Uncertain significance (1 of 4 stars; one submission).

Conditions:
Inborn genetic diseases. Identifiers: MedGen C0950123, MeSH D030342.

Submission:

Ambry Genetics
Classification: Uncertain significance for Inborn genetic diseases. Last evaluated: 2025-10-03. Review status: criteria provided, single submitter. Criteria: Ambry Variant Classification Scheme 2023. Collection method: clinical testing. Allele origin: germline.
Comment: The p.C836R variant (also known as c.2506T>C), located in coding exon 14 of the FANCM gene, results from a T to C substitution at nucleotide position 2506. The cysteine at codon 836 is replaced by arginine, an amino acid with highly dissimilar properties. This amino acid position is conserved. In addition, this alteration is predicted to be tolerated by in silico analysis. Based on the available evidence, the clinical significance of this variant remains unclear.

NM_020937.4(FANCM):c.2506T>C (p.Cys836Arg)

Gene: FANCM (FA complementation group M; plus strand). Cytogenetic location: 14q21.2.
Variant type: single nucleotide variant.
Coding change: c.2506T>C on transcript NM_020937.4 (MANE Select); coding-DNA position 2506, T replaced by C.
Protein change: p.Cys836Arg; replaces cysteine 836 with arginine.
Molecular consequence: missense variant.
Genome position (GRCh38, 1-based): chr14:45,175,260, T>C. VCF-style: chr14-45175260-T-C. GRCh37 (hg19) VCF-style: chr14-45644463-T-C.
Other names: c.2428T>C, p.Cys810Arg (NM_001308133.2); short protein forms C810R, C836R.
Identifiers: ClinVar variation 4619466 (VCV004619466.1).